The following is an entry in ClinVar:

NM_182931.3(KMT2E):c.737G>T (p.Arg246Leu)

Gene: KMT2E (lysine methyltransferase 2E (inactive); plus strand). Cytogenetic location: 7q22.3.
Variant type: single nucleotide variant.
Coding change: c.737G>T on transcript NM_182931.3 (MANE Select); coding-DNA position 737, G replaced by T.
Protein change: p.Arg246Leu; replaces arginine 246 with leucine.
Molecular consequence: missense variant.
Genome position (GRCh38, 1-based): chr7:105,076,050, G>T. VCF-style: chr7-105076050-G-T. GRCh37 (hg19) VCF-style: chr7-104716497-G-T.
Other names: c.737G>T, p.Arg246Leu (NM_018682.4); short protein forms R246L.
Identifiers: ClinVar variation 1508957 (VCV001508957.8), dbSNP rs150708195, ClinGen allele CA4423810.

ClinVar aggregate classification (germline): Uncertain significance (1 of 4 stars; one submission).

gnomAD v4.1: 20 of 1,597,966 alleles (0.0013%); highest among the groups gnomAD compares: Non-Finnish European, 0.0017%; no homozygotes.

Submission:

Labcorp Genetics (formerly Invitae), Labcorp
Classification: Uncertain significance. Last evaluated: 2021-07-08. Review status: criteria provided, single submitter. Criteria: Invitae Variant Classification Sherloc (09022015). Collection method: clinical testing. Allele origin: germline.
Comment: This variant is present in population databases (rs150708195, ExAC 0.002%). This variant has not been reported in the literature in individuals affected with KMT2E-related conditions. Algorithms developed to predict the effect of missense changes on protein structure and function are either unavailable or do not agree on the potential impact of this missense change (SIFT: "Deleterious"; PolyPhen-2: "Benign"; Align-GVGD: "Class C0"). In summary, the available evidence is currently insufficient to determine the role of this variant in disease. Therefore, it has been classified as a Variant of Uncertain Significance. This sequence change replaces arginine with leucine at codon 246 of the KMT2E protein (p.Arg246Leu). The arginine residue is moderately conserved and there is a moderate physicochemical difference between arginine and leucine.